The following is an entry in ClinVar:

ClinVar aggregate classification (germline): Likely pathogenic (1 of 4 stars; one submission).

Conditions:
Van Maldergem syndrome 2 (VMLDS2). Identifiers: Orphanet 314679, MedGen C3809875, MONDO:0014242, OMIM 615546.
Hennekam lymphangiectasia-lymphedema syndrome 2 (HKLLS2). Identifiers: Orphanet 2136, MedGen C4014939, MONDO:0014454, OMIM 616006.

Submission:

Juno Genomics, Hangzhou Juno Genomics, Inc
Classification: Likely pathogenic for Hennekam lymphangiectasia-lymphedema syndrome 2; Van Maldergem syndrome 2. Review status: criteria provided, single submitter. Criteria: ACMG Guidelines, 2015. Collection method: clinical testing. Allele origin: germline.
Comment: Null variant in a gene where loss of function (LOF) is a known mechanism of disease.;Absent from controls (or at extremely low frequency if recessive) in Genome Aggregation Database.

NM_001291303.3(FAT4):c.12577G>T (p.Gly4193Ter)

Gene: FAT4 (FAT atypical cadherin 4; plus strand). Cytogenetic location: 4q28.1.
Variant type: single nucleotide variant.
Coding change: c.12577G>T on transcript NM_001291303.3 (MANE Select); coding-DNA position 12577, G replaced by T.
Protein change: p.Gly4193Ter; replaces glycine 4193 with a stop codon.
Molecular consequence: nonsense.
Genome position (GRCh38, 1-based): chr4:125,479,838, G>T. VCF-style: chr4-125479838-G-T. GRCh37 (hg19) VCF-style: chr4-126400993-G-T.
Other names: c.12577G>T, p.Gly4193Ter (NM_001438396.1, NM_001438397.1, NM_001291285.3); c.12571G>T, p.Gly4191Ter (NM_024582.6); c.7348G>T, p.Gly2450Ter (NM_001437895.1); short protein forms G4191*, G2450*, G4193*.
Identifiers: ClinVar variation 5006732 (VCV005006732.2).